The following is an entry in ClinVar:

ClinVar aggregate classification (germline): Uncertain significance. Review status: criteria provided, multiple submitters, no conflicts (2 of 4 stars). 3 submissions from 3 submitters: Uncertain significance (3). Last evaluated 2024-06-16.

Conditions:
Inborn genetic diseases. Identifiers: MedGen C0950123, MeSH D030342.

Allele frequency attached by ClinVar (database versions not stated): TOPMed 0.00001; gnomAD 0.00002.
gnomAD v4.1: 3 of 1,613,906 alleles (0.00019%); highest among the groups gnomAD compares: African/African-American, 0.004%; no homozygotes.

Submissions (3):

Ambry Genetics
Classification: Uncertain significance for Inborn genetic diseases. Last evaluated: 2024-06-16. Review status: criteria provided, single submitter. Criteria: Ambry Variant Classification Scheme 2023. Collection method: clinical testing. Allele origin: germline.

Labcorp Genetics (formerly Invitae), Labcorp
Classification: Uncertain significance. Last evaluated: 2022-06-13. Review status: criteria provided, single submitter. Criteria: Invitae Variant Classification Sherloc (09022015). Collection method: clinical testing. Allele origin: germline.
Comment: ClinVar contains an entry for this variant (Variation ID: 866680). This variant has not been reported in the literature in individuals affected with CNGB1-related conditions. This variant is present in population databases (no rsID available, gnomAD 0.01%). This sequence change replaces proline, which is neutral and non-polar, with threonine, which is neutral and polar, at codon 747 of the CNGB1 protein (p.Pro747Thr). Advanced modeling of protein sequence and biophysical properties (such as structural, functional, and spatial information, amino acid conservation, physicochemical variation, residue mobility, and thermodynamic stability) performed at Invitae indicates that this missense variant is expected to disrupt CNGB1 protein function. In summary, the available evidence is currently insufficient to determine the role of this variant in disease. Therefore, it has been classified as a Variant of Uncertain Significance.

Blueprint Genetics
Classification: Uncertain significance. Last evaluated: 2019-08-16. Review status: criteria provided, single submitter. Criteria: ACMG Guidelines, 2015. Collection method: clinical testing. Allele origin: germline.

NM_001297.5(CNGB1):c.2239C>A (p.Pro747Thr)

Gene: CNGB1 (cyclic nucleotide gated channel subunit beta 1; minus strand). Cytogenetic location: 16q21.
Variant type: single nucleotide variant.
Coding change: c.2239C>A on transcript NM_001297.5 (MANE Select); coding-DNA position 2239, C replaced by A.
Protein change: p.Pro747Thr; replaces proline 747 with threonine.
Molecular consequence: missense variant.
Genome position (GRCh38, 1-based): chr16:57,915,314, G>T on the plus strand (C>A on the coding strand, the complement: CNGB1 is on the minus strand). VCF-style: chr16-57915314-G-T. GRCh37 (hg19) VCF-style: chr16-57949218-G-T.
Other names: c.2221C>A, p.Pro741Thr (NM_001286130.2); short protein forms P741T, P747T.
Identifiers: ClinVar variation 866680 (VCV000866680.13), dbSNP rs974336687, ClinGen allele CA281598214.
Genomic context (GRCh38, chr16:57,915,314, plus strand): 5'-AACAGCGGGGCAGGCGGAGGAGGGGGTTCACACCGACTTTCAAATAGAGAAAATCCAAGG[G>T]CAGGAGGCTGAGCAGGTCCATCTGAAATCCCAGTGGGACACCATGGGGGTAAAACGGATG-3'
Protein context (NP_001288.3, residues 737-757): RFKMDLLSLL[Pro747Thr]LDFLYLKVGV